The following is an entry in ClinVar:

ClinVar aggregate classification (germline): Uncertain significance. Review status: criteria provided, multiple submitters, no conflicts (2 of 4 stars). 2 submissions from 2 submitters: Uncertain significance (2). Last evaluated 2022-10-05.

Conditions:
Methylcobalamin deficiency type cblG (HMAG). Also called: HOMOCYSTINURIA-MEGALOBLASTIC ANEMIA DUE TO DEFECT IN COBALAMIN METABOLISM, cblG COMPLEMENTATION TYPE; HOMOCYSTINURIA-MEGALOBLASTIC ANEMIA, cblG COMPLEMENTATION TYPE; HOMOCYSTINURIA-MEGALOBLASTIC ANEMIA, cblG TYPE; Functional methionine synthase deficiency type cblG. Identifiers: Orphanet 2170, Orphanet 622, MedGen C1855128, MONDO:0009609, OMIM 250940.
Inborn genetic diseases. Identifiers: MedGen C0950123, MeSH D030342.

Allele frequency attached by ClinVar (database versions not stated): ExAC 0.00004; gnomAD exomes 0.00007; gnomAD 0.00009 and 0.00014; ESP Exome Variant Server 0.00015; TOPMed 0.00015.
gnomAD v4.1: 151 of 1,613,954 alleles (0.0094%); highest among the groups gnomAD compares: Admixed American, 0.012%; no homozygotes.

Submissions (2):

Labcorp Genetics (formerly Invitae), Labcorp
Classification: Uncertain significance for Methylcobalamin deficiency type cblG. Last evaluated: 2022-10-05. Review status: criteria provided, single submitter. Criteria: Invitae Variant Classification Sherloc (09022015). Collection method: clinical testing. Allele origin: germline.
Comment: This sequence change replaces proline, which is neutral and non-polar, with serine, which is neutral and polar, at codon 347 of the MTR protein (p.Pro347Ser). This variant is present in population databases (rs140956566, gnomAD 0.01%). This variant has not been reported in the literature in individuals affected with MTR-related conditions. ClinVar contains an entry for this variant (Variation ID: 970079). Advanced modeling of protein sequence and biophysical properties (such as structural, functional, and spatial information, amino acid conservation, physicochemical variation, residue mobility, and thermodynamic stability) performed at Invitae indicates that this missense variant is not expected to disrupt MTR protein function. In summary, the available evidence is currently insufficient to determine the role of this variant in disease. Therefore, it has been classified as a Variant of Uncertain Significance.

Ambry Genetics
Classification: Uncertain significance for Inborn genetic diseases. Last evaluated: 2022-04-21. Review status: criteria provided, single submitter. Criteria: Ambry Variant Classification Scheme 2023. Collection method: clinical testing. Allele origin: germline.

NM_000254.3(MTR):c.1039C>T (p.Pro347Ser)

Gene: MTR (5-methyltetrahydrofolate-homocysteine methyltransferase; plus strand). Cytogenetic location: 1q43.
Variant type: single nucleotide variant.
Coding change: c.1039C>T on transcript NM_000254.3 (MANE Select); coding-DNA position 1039, C replaced by T.
Protein change: p.Pro347Ser; replaces proline 347 with serine.
Molecular consequence: missense variant. On other transcripts: 5 prime UTR variant (1).
Genome position (GRCh38, 1-based): chr1:236,829,232, C>T. VCF-style: chr1-236829232-C-T. GRCh37 (hg19) VCF-style: chr1-236992532-C-T.
Other names: c.1039C>T, p.Pro347Ser (NM_001291939.1); c.-70C>T (NM_001291940.2); short protein forms P347S.
Identifiers: ClinVar variation 970079 (VCV000970079.5), dbSNP rs140956566, ClinGen allele CA1473974.